The following is an entry in ClinVar:

NM_006445.4(PRPF8):c.3252C>T (p.Pro1084=)

Gene: PRPF8 (pre-mRNA processing factor 8; minus strand). Cytogenetic location: 17p13.3.
Variant type: single nucleotide variant.
Coding change: c.3252C>T on transcript NM_006445.4 (MANE Select); coding-DNA position 3252, C replaced by T.
Protein change: p.Pro1084=; no amino-acid change (proline 1084 retained).
Molecular consequence: synonymous variant.
Genome position (GRCh38, 1-based): chr17:1,674,489, G>A on the plus strand (C>T on the coding strand, the complement: PRPF8 is on the minus strand). VCF-style: chr17-1674489-G-A. GRCh37 (hg19) VCF-style: chr17-1577783-G-A.
Other names: c.3252C>T (NM_006445.3).
Identifiers: ClinVar variation 2991727 (VCV002991727.4), dbSNP rs746764862, ClinGen allele CA8271943.

ClinVar aggregate classification (germline): Likely benign. Review status: criteria provided, multiple submitters, no conflicts (2 of 4 stars). 2 submissions from 2 submitters: Likely benign (2). Last evaluated 2026-09-11.

Conditions:
PRPF8-related disorder. Also called: PRPF8-related condition.

Submissions (2):

PreventionGenetics, part of Exact Sciences
Classification: Likely benign for PRPF8-related condition. Last evaluated: 2026-09-11. Review status: criteria provided, single submitter. Criteria: ACMG Guidelines, 2015. Collection method: clinical testing. Allele origin: germline.
Comment: This variant is classified as likely benign based on ACMG/AMP sequence variant interpretation guidelines (Richards et al. 2015 PMID: 25741868, with internal and published modifications).

Labcorp Genetics (formerly Invitae), Labcorp
Classification: Likely benign. Last evaluated: 2024-07-01. Review status: criteria provided, single submitter. Criteria: Invitae Variant Classification Sherloc (09022015). Collection method: clinical testing. Allele origin: germline.